The following is an entry in ClinVar:

ClinVar aggregate classification (germline): Uncertain significance (1 of 4 stars; one submission).

gnomAD v4.1: 6 of 1,613,172 alleles (0.00037%); highest among the groups gnomAD compares: Non-Finnish European, 0.00042%; no homozygotes.

Submission:

Labcorp Genetics (formerly Invitae), Labcorp
Classification: Uncertain significance. Last evaluated: 2025-05-21. Review status: criteria provided, single submitter. Criteria: Invitae Variant Classification Sherloc (09022015). Collection method: clinical testing. Allele origin: germline.
Comment: This sequence change replaces alanine, which is neutral and non-polar, with valine, which is neutral and non-polar, at codon 592 of the ZMYND11 protein (p.Ala592Val). This variant is not present in population databases (gnomAD no frequency). This variant has not been reported in the literature in individuals affected with ZMYND11-related conditions. An algorithm developed to predict the effect of missense changes on protein structure and function (PolyPhen-2) suggests that this variant is likely to be disruptive. In summary, the available evidence is currently insufficient to determine the role of this variant in disease. Therefore, it has been classified as a Variant of Uncertain Significance.

NM_001370100.5(ZMYND11):c.1775C>T (p.Ala592Val)

Gene: ZMYND11 (zinc finger MYND-type containing 11; plus strand). Cytogenetic location: 10p15.3.
Variant type: single nucleotide variant.
Coding change: c.1775C>T on transcript NM_001370100.5 (MANE Select); coding-DNA position 1775, C replaced by T.
Protein change: p.Ala592Val; replaces alanine 592 with valine.
Molecular consequence: missense variant. On other transcripts: non-coding transcript variant (1).
Genome position (GRCh38, 1-based): chr10:252,436, C>T. VCF-style: chr10-252436-C-T. GRCh37 (hg19) VCF-style: chr10-298376-C-T.
Other names: c.1613C>T, p.Ala538Val (NM_001370107.2, NM_001370108.2, NM_001370109.2 and 5 more transcripts); c.1520C>T, p.Ala507Val (NM_001370110.2, NM_001202465.3); c.1610C>T, p.Ala537Val (NM_001370111.2, NM_001202466.3); c.1724C>T, p.Ala575Val (NM_001370112.2, NM_001330057.3); c.1682C>T, p.Ala561Val (NM_001370113.2, NM_001370114.2); c.1772C>T, p.Ala591Val (NM_001370115.2); c.1709C>T, p.Ala570Val (NM_001370116.2); c.1775C>T, p.Ala592Val (NM_001370097.3, NM_001370098.2, NM_001370099.2 and 3 more transcripts); and 8 more; short protein forms A435V, A498V, A538V, A569V, A473V, A507V, A592V, A490V.
Identifiers: ClinVar variation 4761829 (VCV004761829.1).
Genomic context (GRCh38, chr10:252,436, plus strand): 5'-ACCACTGCTGCTGGAACACATCCTACTGCTCCATCAAGTGCCAGCAGGAGCACTGGCACG[C>T]GGAGCACAAGCGCACCTGCCGCCGGAAAAGATGAAGCTGGCCCTTCCCGGAGTCACCCCG-3'
Protein context (NP_001357029.1, residues 582-602): SIKCQQEHWH[Ala592Val]EHKRTCRRKR